The following is an entry in ClinVar:

NM_001042492.3(NF1):c.5578C>A (p.Leu1860Ile)

Gene: NF1 (neurofibromin 1; plus strand). Cytogenetic location: 17q11.2.
Variant type: single nucleotide variant.
Coding change: c.5578C>A on transcript NM_001042492.3 (MANE Select); coding-DNA position 5578, C replaced by A.
Protein change: p.Leu1860Ile; replaces leucine 1860 with isoleucine.
Molecular consequence: missense variant.
Genome position (GRCh38, 1-based): chr17:31,327,808, C>A. VCF-style: chr17-31327808-C-A. GRCh37 (hg19) VCF-style: chr17-29654826-C-A.
Other names: c.5515C>A, p.Leu1839Ile (NM_000267.4); short protein forms L1839I, L1860I.
Identifiers: ClinVar variation 1486288 (VCV001486288.8), dbSNP rs746689492, ClinGen allele CA399010006.

ClinVar aggregate classification (germline): Uncertain significance (1 of 4 stars; one submission).

Conditions:
Neurofibromatosis, type 1 (NF1). Also called: NEUROFIBROMATOSIS, TYPE I, SOMATIC; Neurofibromatosis, type I; VON RECKLINGHAUSEN DISEASE; Peripheral type neurofibromatosis. Identifiers: Orphanet 636, MedGen C0027831, MONDO:0018975, OMIM 162200. Disease mechanism: loss of function.

Submission:

Labcorp Genetics (formerly Invitae), Labcorp
Classification: Uncertain significance for Neurofibromatosis, type 1. Last evaluated: 2020-11-03. Review status: criteria provided, single submitter. Criteria: Invitae Variant Classification Sherloc (09022015). Collection method: clinical testing. Allele origin: germline.
Comment: In summary, the available evidence is currently insufficient to determine the role of this variant in disease. Therefore, it has been classified as a Variant of Uncertain Significance. Advanced modeling of protein sequence and biophysical properties (such as structural, functional, and spatial information, amino acid conservation, physicochemical variation, residue mobility, and thermodynamic stability) performed at Invitae indicates that this missense variant is expected to disrupt NF1 protein function. This variant has not been reported in the literature in individuals with NF1-related conditions. This variant is not present in population databases (ExAC no frequency). This sequence change replaces leucine with isoleucine at codon 1839 of the NF1 protein (p.Leu1839Ile). The leucine residue is moderately conserved and there is a small physicochemical difference between leucine and isoleucine.